The following is an entry in ClinVar:

NM_016373.4(WWOX):c.667G>A (p.Asp223Asn)

Gene: WWOX (WW domain containing oxidoreductase; plus strand). Cytogenetic location: 16q23.1.
Variant type: single nucleotide variant.
Coding change: c.667G>A on transcript NM_016373.4 (MANE Select); coding-DNA position 667, G replaced by A.
Protein change: p.Asp223Asn; replaces aspartic acid 223 with asparagine.
Molecular consequence: missense variant.
Genome position (GRCh38, 1-based): chr16:78,424,931, G>A. VCF-style: chr16-78424931-G-A. GRCh37 (hg19) VCF-style: chr16-78458828-G-A.
Other names: c.328G>A, p.Asp110Asn (NM_001291997.2); short protein forms D223N, D110N.
Identifiers: ClinVar variation 568385 (VCV000568385.9), dbSNP rs768734917, ClinGen allele CA8183408.

ClinVar aggregate classification (germline): Uncertain significance. Review status: criteria provided, multiple submitters, no conflicts (2 of 4 stars). 2 submissions from 2 submitters: Uncertain significance (2). Last evaluated 2022-08-18.

Conditions:
Developmental and epileptic encephalopathy, 1 (DEE1). Also called: INFANTILE SPASM SYNDROME, X-LINKED 1; X-linked infantile spasms; West's syndrome; Tonic spasms with clustering, arrest of psychomotor development and hypsarrhythmia on EEG; X-Linked Infantile Spasm Syndrome; OHTAHARA SYNDROME, X-LINKED. Identifiers: MedGen C3463992, MONDO:0010632, OMIM 308350. Disease mechanism: loss of function.
Autosomal recessive spinocerebellar ataxia 12. Also called: SPINOCEREBELLAR ATAXIA WITH MENTAL RETARDATION AND EPILEPSY. Identifiers: Orphanet 284282, MedGen C3280452, MONDO:0013687, OMIM 614322.

Allele frequency attached by ClinVar (database versions not stated): TOPMed below 0.00001; gnomAD 0.00001; gnomAD exomes 0.00002; ExAC 0.00003.
gnomAD v4.1: 5 of 1,614,056 alleles (0.00031%); highest among the groups gnomAD compares: Admixed American, 0.0083%; no homozygotes.

Submissions (2):

Labcorp Genetics (formerly Invitae), Labcorp
Classification: Uncertain significance for Developmental and epileptic encephalopathy, 1; Autosomal recessive spinocerebellar ataxia 12. Last evaluated: 2022-08-18. Review status: criteria provided, single submitter. Criteria: Invitae Variant Classification Sherloc (09022015). Collection method: clinical testing. Allele origin: germline.
Comment: This sequence change replaces aspartic acid, which is acidic and polar, with asparagine, which is neutral and polar, at codon 223 of the WWOX protein (p.Asp223Asn). This variant is present in population databases (rs768734917, gnomAD 0.01%). This variant has not been reported in the literature in individuals affected with WWOX-related conditions. ClinVar contains an entry for this variant (Variation ID: 568385). Algorithms developed to predict the effect of missense changes on protein structure and function are either unavailable or do not agree on the potential impact of this missense change (SIFT: "Not Available"; PolyPhen-2: "Possibly Damaging"; Align-GVGD: "Not Available"). In summary, the available evidence is currently insufficient to determine the role of this variant in disease. Therefore, it has been classified as a Variant of Uncertain Significance.

Breakthrough Genomics
Classification: Uncertain significance. Review status: criteria provided, single submitter. Criteria: ACMG Guidelines, 2015. Collection method: not provided. Allele origin: germline. Inheritance: Autosomal recessive inheritance. Affected: yes.